The following is an entry in ClinVar:

ClinVar aggregate classification (germline): Uncertain significance (1 of 4 stars; one submission).

Conditions:
Xeroderma pigmentosum (XP). Identifiers: Orphanet 910, MedGen C0043346, MONDO:0019600.

Submission:

Sema4
Classification: Uncertain significance for Xeroderma pigmentosum. Last evaluated: 2021-04-07. Review status: criteria provided, single submitter. Criteria: Sema4 Curation Guidelines. Collection method: curation. Allele origin: germline.
Comment: The ERCC4 c.1905-6C>G variant has not been reported in the literature to our knowledge. It was not observed in the large and broad cohorts of the Genome Aggregation Database. The variant has not been reported in ClinVar. In silico tools suggest the impact of the variant on splicing is benign, though these predictions have not been confirmed by functional studies. The evidence is insufficient to meet ACMG/AMP criteria for classifying the variant as benign or pathogenic. Thus, the clinical significance of this variant is currently uncertain.

NM_005236.3(ERCC4):c.1905-6C>G

Gene: ERCC4 (ERCC excision repair 4, endonuclease catalytic subunit; plus strand). Cytogenetic location: 16p13.12.
Variant type: single nucleotide variant.
Coding change: c.1905-6C>G on transcript NM_005236.3 (MANE Select); 6 bases into the intron before coding-DNA position 1905, C replaced by G.
Molecular consequence: intron variant.
Genome position (GRCh38, 1-based): chr16:13,944,717, C>G. VCF-style: chr16-13944717-C-G. GRCh37 (hg19) VCF-style: chr16-14038574-C-G.
Identifiers: ClinVar variation 1692879 (VCV001692879.1), dbSNP rs2141616963, ClinGen allele CA2573151868.